The following is an entry in ClinVar:

ClinVar aggregate classification (germline): Uncertain significance. Review status: criteria provided, single submitter (1 of 4 stars). 2 submissions from 2 submitters: Uncertain significance (1). 1 of the submissions does not count toward it. Last evaluated 2022-08-23.

Conditions:
HSPG2-related disorder. Also called: HSPG2-related disorders; HSPG2-related condition.

Allele frequency attached by ClinVar (database versions not stated): gnomAD exomes 0.00004 and 0.00018; TOPMed 0.00011; gnomAD 0.00013; 1000 Genomes Project 30x 0.00016; ExAC 0.00017; 1000 Genomes Project 0.00020.
gnomAD v4.1: 80 of 1,614,024 alleles (0.005%); highest among the groups gnomAD compares: East Asian, 0.069%; no homozygotes.

Submissions (2):

Labcorp Genetics (formerly Invitae), Labcorp
Classification: Uncertain significance. Last evaluated: 2022-08-23. Review status: criteria provided, single submitter. Criteria: Invitae Variant Classification Sherloc (09022015). Collection method: clinical testing. Allele origin: germline.
Comment: This sequence change replaces glutamic acid, which is acidic and polar, with lysine, which is basic and polar, at codon 458 of the HSPG2 protein (p.Glu458Lys). This variant is present in population databases (rs531029732, gnomAD 0.2%). This variant has not been reported in the literature in individuals affected with HSPG2-related conditions. ClinVar contains an entry for this variant (Variation ID: 1505773). Algorithms developed to predict the effect of missense changes on protein structure and function output the following: SIFT: "Deleterious"; PolyPhen-2: "Benign"; Align-GVGD: "Class C0". The lysine amino acid residue is found in multiple mammalian species, which suggests that this missense change does not adversely affect protein function. In summary, the available evidence is currently insufficient to determine the role of this variant in disease. Therefore, it has been classified as a Variant of Uncertain Significance.

PreventionGenetics, part of Exact Sciences
Classification: Likely benign for HSPG2-related condition. Last evaluated: 2022-06-27. Review status: no assertion criteria provided. Collection method: clinical testing. Allele origin: germline. Not counted in ClinVar's aggregate classification.
Comment: This variant is classified as likely benign based on ACMG/AMP sequence variant interpretation guidelines (Richards et al. 2015 PMID: 25741868, with internal and published modifications).

NM_005529.7(HSPG2):c.1372G>A (p.Glu458Lys)

Gene: HSPG2 (heparan sulfate proteoglycan 2; minus strand). Cytogenetic location: 1p36.12.
Variant type: single nucleotide variant.
Coding change: c.1372G>A on transcript NM_005529.7 (MANE Select); coding-DNA position 1372, G replaced by A.
Protein change: p.Glu458Lys; replaces glutamic acid 458 with lysine.
Molecular consequence: missense variant.
Genome position (GRCh38, 1-based): chr1:21,884,902, C>T on the plus strand (G>A on the coding strand, the complement: HSPG2 is on the minus strand). VCF-style: chr1-21884902-C-T. GRCh37 (hg19) VCF-style: chr1-22211395-C-T.
Other names: c.1372G>A, p.Glu458Lys (NM_001291860.2); c.1372G>A (NM_005529.6); short protein forms E458K.
Identifiers: ClinVar variation 1505773 (VCV001505773.8), dbSNP rs531029732, ClinGen allele CA673466.